The following is an entry in ClinVar:

NM_013275.6(ANKRD11):c.3812C>A (p.Ser1271Ter)

Gene: ANKRD11 (ankyrin repeat domain 11; minus strand). Cytogenetic location: 16q24.3.
Variant type: single nucleotide variant.
Coding change: c.3812C>A on transcript NM_013275.6 (MANE Select); coding-DNA position 3812, C replaced by A.
Protein change: p.Ser1271Ter; replaces serine 1271 with a stop codon.
Molecular consequence: nonsense.
Genome position (GRCh38, 1-based): chr16:89,282,730, G>T on the plus strand (C>A on the coding strand, the complement: ANKRD11 is on the minus strand). VCF-style: chr16-89282730-G-T. GRCh37 (hg19) VCF-style: chr16-89349138-G-T.
Other names: c.3812C>A, p.Ser1271Ter (NM_001256182.2, NM_001256183.2); short protein forms S1271*.
Identifiers: ClinVar variation 1805041 (VCV001805041.2), dbSNP rs767520089, ClinGen allele CA397158941.
Genomic context (GRCh38, chr16:89,282,730, plus strand): 5'-TCATGGAGAGCCTCTTCTTCCAACTTTTCAAGCAGGCTTTTTTCCGCGTCGGCACTTCTC[G>T]AGGACTTCCTCTCCTTGGAATGTTCTTTGTCCGACTTCTCTTTGTGTTTGCTTTTAGCCT-3'

ClinVar aggregate classification (germline): Pathogenic. Review status: criteria provided, multiple submitters, no conflicts (2 of 4 stars). 2 submissions from 2 submitters: Pathogenic (2). Last evaluated 2026-08-06.

Conditions:
Paediatric disorders.
KBG syndrome (KBGS). Also called: ANKRD11-Related KBG Syndrome. Identifiers: Orphanet 2332, MedGen C0220687, MONDO:0007846, OMIM 148050.

Submissions (2):

NHS Central & South Genomic Laboratory Hub
Classification: Pathogenic for Paediatric disorders. Last evaluated: 2026-08-06. Review status: criteria provided, single submitter. Criteria: ACMG Guidelines, 2015. Collection method: clinical testing. Allele origin: germline. Affected: yes.

Victorian Clinical Genetics Services, Murdoch Childrens Research Institute
Classification: Pathogenic for KBG syndrome. Last evaluated: 2022-03-31. Review status: criteria provided, single submitter. Criteria: ACMG Guidelines, 2015. Collection method: clinical testing. Allele origin: germline. Inheritance: Autosomal dominant inheritance. Affected: yes.
Comment: Based on the classification scheme VCGS_Germline_v1.3.4, this variant is classified as Pathogenic. Following criteria are met: 0102 - Loss of function is a known mechanism of disease in this gene and is associated with KBG syndrome (MIM#148050). (I) 0107 - This gene is associated with autosomal dominant disease. (I) 0115 - Variants in this gene are known to have variable expressivity. Intra-familial variability has been reported (PMID: 29258554). (I) 0201 - Variant is predicted to cause nonsense-mediated decay (NMD) and loss of protein (premature termination codon is located at least 54 nucleotides upstream of the final exon-exon junction). (SP) 0251 - This variant is heterozygous. (I) 0301 - Variant is absent from gnomAD (both v2 and v3). (SP) 0701 - Other NMD-predicted variants comparable to the one identified in this case have very strong previous evidence for pathogenicity (ClinVar). (SP) 0802 - This variant has moderate previous evidence of pathogenicity in an unrelated individual. It has been identified as a de novo variant in a fetus with structural anomalies (PMID: 28976722). (SP) 0905 - No published segregation evidence has been identified for this variant. (I) 1007 - No published functional evidence has been identified for this variant. (SP) Legend: (SP) - Supporting pathogenic, (I) - Information, (SB) - Supporting benign

Literature cited by the submitters: PubMed 28976722 (cited by Victorian Clinical Genetics Services, Murdoch Childrens Research Institute); PubMed 29258554 (cited by Victorian Clinical Genetics Services, Murdoch Childrens Research Institute).